The following is an entry in ClinVar:

NM_000094.4(COL7A1):c.5057G>C (p.Ser1686Thr)

Gene: COL7A1 (collagen type VII alpha 1 chain; minus strand). Cytogenetic location: 3p21.31.
Variant type: single nucleotide variant.
Coding change: c.5057G>C on transcript NM_000094.4 (MANE Select); coding-DNA position 5057, G replaced by C.
Protein change: p.Ser1686Thr; replaces serine 1686 with threonine.
Molecular consequence: missense variant.
Genome position (GRCh38, 1-based): chr3:48,580,340, C>G on the plus strand (G>C on the coding strand, the complement: COL7A1 is on the minus strand). VCF-style: chr3-48580340-C-G. GRCh37 (hg19) VCF-style: chr3-48617773-C-G.
Other names: short protein forms S1686T.
Identifiers: ClinVar variation 1949561 (VCV001949561.6), dbSNP rs1195760637, ClinGen allele CA352678984.

ClinVar aggregate classification (germline): Uncertain significance. Review status: criteria provided, multiple submitters, no conflicts (2 of 4 stars). 2 submissions from 2 submitters: Uncertain significance (2). Last evaluated 2024-05-29.

Conditions:
Inborn genetic diseases. Identifiers: MedGen C0950123, MeSH D030342.

Allele frequency attached by ClinVar (database versions not stated): gnomAD exomes below 0.00001.
gnomAD v4.1: 1 of 1,609,664 alleles (0.000062%); highest among the groups gnomAD compares: Non-Finnish European, 0.000085%; no homozygotes.

Submissions (2):

Labcorp Genetics (formerly Invitae), Labcorp
Classification: Uncertain significance. Last evaluated: 2024-05-29. Review status: criteria provided, single submitter. Criteria: Invitae Variant Classification Sherloc (09022015). Collection method: clinical testing. Allele origin: germline.
Comment: This sequence change replaces serine, which is neutral and polar, with threonine, which is neutral and polar, at codon 1686 of the COL7A1 protein (p.Ser1686Thr). This variant is present in population databases (no rsID available, gnomAD 0.0009%). This variant has not been reported in the literature in individuals affected with COL7A1-related conditions. ClinVar contains an entry for this variant (Variation ID: 1949561). Advanced modeling of protein sequence and biophysical properties (such as structural, functional, and spatial information, amino acid conservation, physicochemical variation, residue mobility, and thermodynamic stability) performed at Invitae indicates that this missense variant is not expected to disrupt COL7A1 protein function with a negative predictive value of 95%. In summary, the available evidence is currently insufficient to determine the role of this variant in disease. Therefore, it has been classified as a Variant of Uncertain Significance.

Ambry Genetics
Classification: Uncertain significance for Inborn genetic diseases. Last evaluated: 2023-02-22. Review status: criteria provided, single submitter. Criteria: Ambry Variant Classification Scheme 2023. Collection method: clinical testing. Allele origin: germline.